The following is an entry in ClinVar:

ClinVar aggregate classification (germline): Uncertain significance (1 of 4 stars; one submission).

Submission:

Ambry Genetics
Classification: Uncertain significance. Last evaluated: 2025-08-03. Review status: criteria provided, single submitter. Criteria: Ambry Variant Classification Scheme 2023. Collection method: clinical testing. Allele origin: germline.
Comment: The p.E1532D variant (also known as c.4596G>T), located in coding exon 19 of the WNK2 gene, results from a G to T substitution at nucleotide position 4596. The glutamic acid at codon 1532 is replaced by aspartic acid, an amino acid with highly similar properties. This amino acid position is conserved. In addition, this alteration is predicted to be tolerated by in silico analysis. Based on the available evidence, the clinical significance of this variant remains unclear.

NM_006648.4(WNK2):c.4596G>T (p.Glu1532Asp)

Gene: WNK2 (WNK lysine deficient protein kinase 2; plus strand). Cytogenetic location: 9q22.31.
Variant type: single nucleotide variant.
Coding change: c.4596G>T on transcript NM_006648.4 (MANE Select); coding-DNA position 4596, G replaced by T.
Protein change: p.Glu1532Asp; replaces glutamic acid 1532 with aspartic acid.
Molecular consequence: missense variant.
Genome position (GRCh38, 1-based): chr9:93,289,350, G>T. VCF-style: chr9-93289350-G-T. GRCh37 (hg19) VCF-style: chr9-96051632-G-T.
Other names: c.4707G>T, p.Glu1569Asp (NM_001282394.3); short protein forms E1532D, E1569D.
Identifiers: ClinVar variation 4201706 (VCV004201706.1).